The following is an entry in ClinVar:

ClinVar aggregate classification (germline): Uncertain significance (1 of 4 stars; one submission).

Submission:

GeneDx
Classification: Uncertain significance. Last evaluated: 2025-03-21. Review status: criteria provided, single submitter. Criteria: GeneDx Variant Classification Process June 2021. Collection method: clinical testing. Allele origin: germline. Affected: yes.
Comment: Not observed at significant frequency in large population cohorts (gnomAD); In silico analysis supports that this missense variant has a deleterious effect on protein structure/function; Has not been previously published as pathogenic or benign to our knowledge; This variant is associated with the following publications: (PMID: 18034775, 20619386)

NM_005188.4(CBL):c.251T>G (p.Ile84Ser)

Gene: CBL (Cbl proto-oncogene; plus strand). Cytogenetic location: 11q23.3.
Variant type: single nucleotide variant.
Coding change: c.251T>G on transcript NM_005188.4 (MANE Select); coding-DNA position 251, T replaced by G.
Protein change: p.Ile84Ser; replaces isoleucine 84 with serine.
Molecular consequence: missense variant.
Genome position (GRCh38, 1-based): chr11:119,232,503, T>G. VCF-style: chr11-119232503-T-G. GRCh37 (hg19) VCF-style: chr11-119103213-T-G.
Other names: short protein forms I84S.
Identifiers: ClinVar variation 1684131 (VCV001684131.3), dbSNP rs779595064, ClinGen allele CA382894390.